The following is an entry in ClinVar:

NM_000256.3(MYBPC3):c.2500_2501del (p.Arg834fs)

Gene: MYBPC3 (myosin binding protein C3; minus strand). Cytogenetic location: 11p11.2.
Variant type: Microsatellite.
Coding change: c.2500_2501del on transcript NM_000256.3 (MANE Select); coding-DNA positions 2500 to 2501, 2 bases deleted (CG; older notation c.2500_2501delCG).
Protein change: p.Arg834fs; shifts the reading frame from arginine 834.
Molecular consequence: frameshift variant.
Genome position (GRCh38, 1-based): chr11:47,337,492-47,337,493, CG deleted on the plus strand (CG on the coding strand, the reverse complement: MYBPC3 is on the minus strand); deleting any 2 consecutive bases within chr11:47,337,492-47,337,496 gives the same sequence; the c. name uses the placement nearest the transcript's 3' end. VCF-style (leftmost placement, unchanged base first): chr11-47337491-CCG-C. GRCh37 (hg19) VCF-style: chr11-47359042-CCG-C.
Other names: c.2500_2501delCG (NM_000256.3); short protein forms R834fs.
Identifiers: ClinVar variation 1792248 (VCV001792248.7), dbSNP rs2495749637, ClinGen allele CA2580615696.

ClinVar aggregate classification (germline): Pathogenic. Review status: criteria provided, multiple submitters, no conflicts (2 of 4 stars). 2 submissions from 2 submitters: Pathogenic (2). Last evaluated 2025-12-23.

Conditions:
Hypertrophic cardiomyopathy. Also called: HYPERTROPHIC MYOCARDIOPATHY. Identifiers: Orphanet 217569, MedGen C0007194, MeSH D002312, MONDO:0005045, HP:0001639.
Cardiovascular phenotype. Identifiers: MedGen CN230736.

Submissions (2):

Labcorp Genetics (formerly Invitae), Labcorp
Classification: Pathogenic for Hypertrophic cardiomyopathy. Last evaluated: 2025-12-23. Review status: criteria provided, single submitter. Criteria: Invitae Variant Classification Sherloc (09022015). Collection method: clinical testing. Allele origin: germline.
Comment: This sequence change creates a premature translational stop signal (p.Arg834Alafs*49) in the MYBPC3 gene. It is expected to result in an absent or disrupted protein product. Loss-of-function variants in MYBPC3 are known to be pathogenic (PMID: 19574547). This variant is not present in population databases (gnomAD no frequency). This variant has not been reported in the literature in individuals affected with MYBPC3-related conditions. ClinVar contains an entry for this variant (Variation ID: 1792248). For these reasons, this variant has been classified as Pathogenic.

Ambry Genetics
Classification: Pathogenic for Cardiovascular phenotype. Last evaluated: 2018-11-26. Review status: criteria provided, single submitter. Criteria: Ambry Variant Classification Scheme 2023. Collection method: clinical testing. Allele origin: germline.
Comment: The c.2500_2501delCG pathogenic mutation, located in coding exon 25 of the MYBPC3 gene, results from a deletion of two nucleotides at nucleotide positions 2500 to 2501, causing a translational frameshift with a predicted alternate stop codon (p.R834Afs*49). This alteration is expected to result in loss of function by premature protein truncation or nonsense-mediated mRNA decay. As such, this alteration is interpreted as a disease-causing mutation.

Literature cited by the submitters: PubMed 19574547 (cited by Labcorp Genetics (formerly Invitae), Labcorp).